The following is an entry in ClinVar:

ClinVar aggregate classification (germline): Conflicting classifications of pathogenicity. Review status: criteria provided, conflicting classifications (1 of 4 stars). 3 submissions from 3 submitters: Uncertain significance (1); Likely benign (1). 1 of the submissions does not count toward it. Last evaluated 2022-11-19.

Conditions:
DNAAF2-related disorder. Also called: DNAAF2-related condition.
Primary ciliary dyskinesia. Also called: Ciliary dyskinesia. Identifiers: Orphanet 244, MedGen C0008780, MONDO:0016575, HP:0012265.

Allele frequency attached by ClinVar (database versions not stated): TOPMed 0.00003; gnomAD 0.00008; gnomAD exomes 0.00014; 1000 Genomes Project 30x 0.00031; 1000 Genomes Project 0.00040; ExAC 0.00040.

Submissions (3):

Ambry Genetics
Classification: Likely benign for Primary ciliary dyskinesia. Last evaluated: 2022-11-19. Review status: criteria provided, single submitter. Criteria: Ambry Variant Classification Scheme 2023. Collection method: clinical testing. Allele origin: germline.

Blueprint Genetics
Classification: Uncertain significance. Last evaluated: 2022-08-09. Review status: criteria provided, single submitter. Criteria: ACMG Guidelines, 2015. Collection method: clinical testing. Allele origin: germline.

PreventionGenetics, part of Exact Sciences
Classification: Likely benign for DNAAF2-related condition. Last evaluated: 2023-02-03. Review status: no assertion criteria provided. Collection method: clinical testing. Allele origin: germline. Not counted in ClinVar's aggregate classification.
Comment: This variant is classified as likely benign based on ACMG/AMP sequence variant interpretation guidelines (Richards et al. 2015 PMID: 25741868, with internal and published modifications).

NM_018139.3(DNAAF2):c.805C>G (p.Arg269Gly)

Gene: DNAAF2 (dynein axonemal assembly factor 2; minus strand). Cytogenetic location: 14q21.3.
Variant type: single nucleotide variant.
Coding change: c.805C>G on transcript NM_018139.3 (MANE Select); coding-DNA position 805, C replaced by G.
Protein change: p.Arg269Gly; replaces arginine 269 with glycine.
Molecular consequence: missense variant.
Genome position (GRCh38, 1-based): chr14:49,634,345, G>C on the plus strand (C>G on the coding strand, the complement: DNAAF2 is on the minus strand). VCF-style: chr14-49634345-G-C. GRCh37 (hg19) VCF-style: chr14-50101063-G-C.
Other names: c.805C>G, p.Arg269Gly (NM_001083908.2); short protein forms R269G.
Identifiers: ClinVar variation 2448398 (VCV002448398.5), dbSNP rs547213676, ClinGen allele CA7173027.